The following is an entry in ClinVar:

ClinVar aggregate classification (germline): Uncertain significance. Review status: criteria provided, multiple submitters, no conflicts (2 of 4 stars). 3 submissions from 3 submitters: Uncertain significance (3). Last evaluated 2025-09-01.

Conditions:
Fanconi anemia complementation group P. Also called: SLX4-Related Fanconi Anemia. Identifiers: Orphanet 84, MedGen C3469542, MONDO:0013499, OMIM 613951.
Fanconi anemia (FA). Also called: Fanconi's anemia. Identifiers: Orphanet 84, MedGen C0015625, MeSH D005199, MONDO:0019391.
Inborn genetic diseases. Identifiers: MedGen C0950123, MeSH D030342.

Allele frequency attached by ClinVar (database versions not stated): gnomAD 0.00001; TOPMed 0.00001; gnomAD exomes 0.00002.
gnomAD v4.1: 27 of 1,603,380 alleles (0.0017%); highest among the groups gnomAD compares: Non-Finnish European, 0.002%; no homozygotes.

Submissions (3):

Ambry Genetics
Classification: Uncertain significance for Inborn genetic diseases. Last evaluated: 2025-09-01. Review status: criteria provided, single submitter. Criteria: Ambry Variant Classification Scheme 2023. Collection method: clinical testing. Allele origin: germline.

Fulgent Genetics
Classification: Uncertain significance for Fanconi anemia complementation group P. Last evaluated: 2024-06-14. Review status: criteria provided, single submitter. Criteria: ACMG Guidelines, 2015. Collection method: clinical testing. Allele origin: germline.

Labcorp Genetics (formerly Invitae), Labcorp
Classification: Uncertain significance for Fanconi anemia. Last evaluated: 2023-01-18. Review status: criteria provided, single submitter. Criteria: Invitae Variant Classification Sherloc (09022015). Collection method: clinical testing. Allele origin: germline.
Comment: This variant has not been reported in the literature in individuals affected with SLX4-related conditions. This variant is present in population databases (no rsID available, gnomAD 0.001%). This sequence change replaces alanine, which is neutral and non-polar, with glycine, which is neutral and non-polar, at codon 548 of the SLX4 protein (p.Ala548Gly). In summary, the available evidence is currently insufficient to determine the role of this variant in disease. Therefore, it has been classified as a Variant of Uncertain Significance. Algorithms developed to predict the effect of missense changes on protein structure and function are either unavailable or do not agree on the potential impact of this missense change (SIFT: "Tolerated"; PolyPhen-2: "Possibly Damaging"; Align-GVGD: "Class C0").

NM_032444.4(SLX4):c.1643C>G (p.Ala548Gly)

Gene: SLX4 (SLX4 structure-specific endonuclease subunit; minus strand). Cytogenetic location: 16p13.3.
Variant type: single nucleotide variant.
Coding change: c.1643C>G on transcript NM_032444.4 (MANE Select); coding-DNA position 1643, C replaced by G.
Protein change: p.Ala548Gly; replaces alanine 548 with glycine.
Molecular consequence: missense variant.
Genome position (GRCh38, 1-based): chr16:3,597,419, G>C on the plus strand (C>G on the coding strand, the complement: SLX4 is on the minus strand). VCF-style: chr16-3597419-G-C. GRCh37 (hg19) VCF-style: chr16-3647420-G-C.
Other names: short protein forms A548G.
Identifiers: ClinVar variation 1905164 (VCV001905164.7), dbSNP rs1231729537, ClinGen allele CA394528638.